The following is an entry in ClinVar:

NM_001267550.2(TTN):c.56495G>A (p.Trp18832Ter)

Genes: TTN (titin; minus strand), TTN-AS1 (TTN antisense RNA 1; plus strand). Cytogenetic location: 2q31.2.
Variant type: single nucleotide variant.
Coding change: c.56495G>A on transcript NM_001267550.2 (MANE Select); coding-DNA position 56495, G replaced by A.
Protein change: p.Trp18832Ter; replaces tryptophan 18832 with a stop codon.
Molecular consequence: nonsense.
Genome position (GRCh38, 1-based): chr2:178,599,298, C>T on the plus strand (G>A on the coding strand, the complement: TTN is on the minus strand). VCF-style: chr2-178599298-C-T. GRCh37 (hg19) VCF-style: chr2-179464025-C-T.
Other names: c.51572G>A, p.Trp17191Ter (NM_001256850.1); c.29300G>A, p.Trp9767Ter (NM_003319.4); c.48791G>A, p.Trp16264Ter (NM_133378.4); c.29675G>A, p.Trp9892Ter (NM_133432.3); c.29876G>A, p.Trp9959Ter (NM_133437.4); short protein forms W16264*, W9892*, W9959*, W9767*, W17191*, W18832*.
Identifiers: ClinVar variation 817543 (VCV000817543.7), dbSNP rs1576247054, ClinGen allele CA349529701.
Genomic context (GRCh38, chr2:178,599,298, plus strand): 5'-CCTTCTAGCAATTTGGGAATCGTGTACGTGCACTCCTTAGGTTCACTGGAGACATGGACC[C>T]ATGTCTTCCTGTTAGCTTCTCTTTTCTCAATTACATAGTTTGTAATCTTAGACCCACCAT-3'

ClinVar aggregate classification (germline): Likely pathogenic. Review status: criteria provided, multiple submitters, no conflicts (2 of 4 stars). 3 submissions from 3 submitters: Likely pathogenic (3). Last evaluated 2026-03-19.

Conditions:
Cardiovascular phenotype. Identifiers: MedGen CN230736.
Dilated cardiomyopathy 1G (CMD1G). Identifiers: Orphanet 154, MedGen C1858763, MONDO:0011400, OMIM 604145.
Autosomal recessive limb-girdle muscular dystrophy type 2J (LGMDR10). Also called: Limb-girdle muscular dystrophy, type 2J; MUSCULAR DYSTROPHY, LIMB-GIRDLE, AUTOSOMAL RECESSIVE 10. Identifiers: Orphanet 140922, MedGen C1837342, MONDO:0012127, OMIM 608807.

Submissions (3):

Ambry Genetics
Classification: Likely pathogenic for Cardiovascular phenotype. Last evaluated: 2026-03-19. Review status: criteria provided, single submitter. Criteria: Ambry Variant Classification Scheme 2023. Collection method: clinical testing. Allele origin: germline.
Comment: The p.W9767* variant (also known as c.29300G>A), located in coding exon 117 of the TTN gene, results from a G to A substitution at nucleotide position 29300. This changes the amino acid from a tryptophan to a stop codon within coding exon 117. This exon is located in the A-band region of the N2-B isoform of the titin protein and is constitutively expressed in TTN transcripts (percent spliced in or PSI 100%). This variant was reported in an exome secondary findings cohort (Wenderholm K et al. Gene, 2025 Jan;935:149063). This alteration is expected to result in loss of function by premature protein truncation or nonsense-mediated mRNA decay. While truncating variants in TTN are present in 1-3% of the general population, truncating variants in the A-band are the most common cause of dilated cardiomyopathy (DCM) (Herman DS et al. N. Engl. J. Med., 2012 Feb;366:619-28; Roberts AM et al. Sci Transl Med, 2015 Jan;7:270ra6). TTN truncating variants encoded in constitutive exons (PSI >90%) have been found to be significantly associated with DCM regardless of their position in titin (Schafer S et al. Nat. Genet., 2017 01;49:46-53). This variant is considered to be rare based on population cohorts in the Genome Aggregation Database (gnomAD). As such, this alteration is classified as likely pathogenic.

Labcorp Genetics (formerly Invitae), Labcorp
Classification: Likely pathogenic for Dilated cardiomyopathy 1G; Autosomal recessive limb-girdle muscular dystrophy type 2J. Last evaluated: 2024-05-16. Review status: criteria provided, single submitter. Criteria: Invitae Variant Classification Sherloc (09022015). Collection method: clinical testing. Allele origin: germline.
Comment: This sequence change creates a premature translational stop signal (p.Trp18832*) in the TTN gene. While this is not anticipated to result in nonsense mediated decay, it is expected to create a truncated TTN protein. This variant is not present in population databases (gnomAD no frequency). This variant has not been reported in the literature in individuals affected with TTN-related conditions. ClinVar contains an entry for this variant (Variation ID: 817543). This variant is located in the A band of TTN (PMID: 25589632). Truncating variants in this region are significantly overrepresented in patients affected with dilated cardiomyopathy (PMID: 25589632). Truncating variants in this region have also been reported in individuals affected with autosomal recessive centronuclear myopathy (PMID: 23975875). In summary, the currently available evidence indicates that the variant is pathogenic, but additional data are needed to prove that conclusively. Therefore, this variant has been classified as Likely Pathogenic.

GeneDx
Classification: Likely pathogenic. Last evaluated: 2019-03-04. Review status: criteria provided, single submitter. Criteria: GeneDx Variant Classification (06012015). Collection method: clinical testing. Allele origin: germline. Affected: yes.
Comment: The W17191X likely pathogenic variant in the TTN gene has not been published as pathogenic or benign to our knowledge. This variant is predicted to cause loss of normal protein function either due to production of an abnormal, prematurely truncated protein, or by absence of protein product due to nonsense mediated mRNA decay. Other truncating TTN variants have been reported in approximately 3% of control alleles (Herman et al., 2012). However, W17191X is located in the A-band region of titin, where the majority of truncating pathogenic variants associated with DCM have been reported (Herman et al., 2012). Furthermore, the W17191X variant has not been observed in large population cohorts (Lek et al., 2016). In summary, W17191X in the TTN gene is interpreted as a likely pathogenic variant.

Literature cited by the submitters: PubMed 39486665 (cited by Ambry Genetics); PubMed 25589632 (cited by Labcorp Genetics (formerly Invitae), Labcorp); PubMed 23975875 (cited by Labcorp Genetics (formerly Invitae), Labcorp).